The following is an entry in ClinVar:

ClinVar aggregate classification (germline): Uncertain significance (1 of 4 stars; one submission).

Conditions:
SEMA3G-related disorder. Also called: SEMA3G-related condition.

Allele frequency attached by ClinVar (database versions not stated): gnomAD exomes 0.00008; ExAC 0.00015; gnomAD 0.00021; TOPMed 0.00021; ESP Exome Variant Server 0.00023.

Submission:

PreventionGenetics, part of Exact Sciences
Classification: Uncertain significance for SEMA3G-related condition. Last evaluated: 2026-01-21. Review status: criteria provided, single submitter. Criteria: ACMG Guidelines, 2015. Collection method: clinical testing. Allele origin: germline.
Comment: The SEMA3G c.200G>A variant is predicted to result in the amino acid substitution p.Arg67Gln. To our knowledge, this variant has not been reported in the literature. This variant is reported in 0.085% of alleles in individuals of African descent in gnomAD, which may be too common to be a primary cause of disease. Although we suspect that this variant may be benign, at this time, the clinical significance of this variant is uncertain due to the absence of conclusive functional and genetic evidence.

NM_020163.3(SEMA3G):c.200G>A (p.Arg67Gln)

Gene: SEMA3G (semaphorin 3G; minus strand). Cytogenetic location: 3p21.1.
Variant type: single nucleotide variant.
Coding change: c.200G>A on transcript NM_020163.3 (MANE Select); coding-DNA position 200, G replaced by A.
Protein change: p.Arg67Gln; replaces arginine 67 with glutamine.
Molecular consequence: missense variant.
Genome position (GRCh38, 1-based): chr3:52,442,823, C>T on the plus strand (G>A on the coding strand, the complement: SEMA3G is on the minus strand). VCF-style: chr3-52442823-C-T. GRCh37 (hg19) VCF-style: chr3-52476839-C-T.
Other names: short protein forms R67Q.
Identifiers: ClinVar variation 3032990 (VCV003032990.3), dbSNP rs143623633, ClinGen allele CA2438426.